The following is an entry in ClinVar:

ClinVar aggregate classification (germline): Uncertain significance. Review status: criteria provided, multiple submitters, no conflicts (2 of 4 stars). 3 submissions from 3 submitters: Uncertain significance (3). Last evaluated 2025-11-10.

Conditions:
Loeys-Dietz syndrome 4 (LDS4). Also called: TGFB2-Related Loeys-Dietz Syndrome; ANEURYSM, AORTIC AND CEREBRAL, WITH ARTERIAL TORTUOSITY AND SKELETAL MANIFESTATIONS. Identifiers: MedGen C3553762, MONDO:0013897, OMIM 614816.
Familial thoracic aortic aneurysm and aortic dissection (TAAD). Also called: Thoracic aortic aneurysms and dissections. Identifiers: Orphanet 91387, MedGen C4707243, MONDO:0019625.

Allele frequency attached by ClinVar (database versions not stated): gnomAD exomes below 0.00001; gnomAD 0.00001; TOPMed 0.00001.
gnomAD v4.1: 2 of 1,613,192 alleles (0.00012%); highest among the groups gnomAD compares: Admixed American, 0.0017%; no homozygotes.

Submissions (3):

Ambry Genetics
Classification: Uncertain significance for Familial thoracic aortic aneurysm and aortic dissection. Last evaluated: 2025-11-10. Review status: criteria provided, single submitter. Criteria: Ambry Variant Classification Scheme 2023. Collection method: clinical testing. Allele origin: germline.
Comment: The p.L304V variant (also known as c.910T>G), located in coding exon 5 of the TGFB2 gene, results from a T to G substitution at nucleotide position 910. The leucine at codon 304 is replaced by valine, an amino acid with highly similar properties. This amino acid position is conserved. In addition, this alteration is predicted to be tolerated by in silico analysis. Based on the available evidence, the clinical significance of this variant remains unclear.

Labcorp Genetics (formerly Invitae), Labcorp
Classification: Uncertain significance for Loeys-Dietz syndrome 4. Last evaluated: 2025-10-20. Review status: criteria provided, single submitter. Criteria: Invitae Variant Classification Sherloc (09022015). Collection method: clinical testing. Allele origin: germline.
Comment: This sequence change replaces leucine, which is neutral and non-polar, with valine, which is neutral and non-polar, at codon 304 of the TGFB2 protein (p.Leu304Val). This variant is present in population databases (no rsID available, gnomAD 0.003%). This variant has not been reported in the literature in individuals affected with TGFB2-related conditions. ClinVar contains an entry for this variant (Variation ID: 1315135). Invitae Evidence Modeling of protein sequence and biophysical properties (such as structural, functional, and spatial information, amino acid conservation, physicochemical variation, residue mobility, and thermodynamic stability) indicates that this missense variant is not expected to disrupt TGFB2 protein function with a negative predictive value of 80%. In summary, the available evidence is currently insufficient to determine the role of this variant in disease. Therefore, it has been classified as a Variant of Uncertain Significance.

GeneDx
Classification: Uncertain significance. Last evaluated: 2020-01-17. Review status: criteria provided, single submitter. Criteria: GeneDx Variant Classification Process June 2021. Collection method: clinical testing. Allele origin: germline. Affected: yes.
Comment: Has not been previously published as pathogenic or benign to our knowledge; Not observed at a significant frequency in large population cohorts (Lek et al., 2016); In silico analysis, which includes protein predictors and evolutionary conservation, supports that this variant does not alter protein structure/function

NM_003238.6(TGFB2):c.910T>G (p.Leu304Val)

Gene: TGFB2 (transforming growth factor beta 2; plus strand). Cytogenetic location: 1q41.
Variant type: single nucleotide variant.
Coding change: c.910T>G on transcript NM_003238.6 (MANE Select); coding-DNA position 910, T replaced by G.
Protein change: p.Leu304Val; replaces leucine 304 with valine.
Molecular consequence: missense variant. On other transcripts: non-coding transcript variant (2).
Genome position (GRCh38, 1-based): chr1:218,436,125, T>G. VCF-style: chr1-218436125-T-G. GRCh37 (hg19) VCF-style: chr1-218609467-T-G.
Other names: c.994T>G, p.Leu332Val (NM_001135599.4); short protein forms L304V, L332V.
Identifiers: ClinVar variation 1315135 (VCV001315135.12), dbSNP rs1478901182, ClinGen allele CA344727324.
Genomic context (GRCh38, chr1:218,436,125, plus strand): 5'-ATGTTATTGCCCTCCTACAGACTTGAGTCACAACAGACCAACCGGCGGAAGAAGCGTGCT[T>G]TGGATGCGGCCTATTGCTTTAGGTAAAGGAAAGAAAAGTAAAACCAAGTAATTGCATCTG-3'
Protein context (NP_003229.1, residues 294-314): QQTNRRKKRA[Leu304Val]DAAYCFRNVQ